The following is an entry in ClinVar:

NM_000124.4(ERCC6):c.1300G>A (p.Ala434Thr)

Genes: PGBD3 (piggyBac transposable element derived 3; minus strand), ERCC6 (ERCC excision repair 6, chromatin remodeling factor; minus strand). Cytogenetic location: 10q11.23.
Variant type: single nucleotide variant.
Coding change: c.1300G>A on transcript NM_000124.4 (MANE Select); coding-DNA position 1300, G replaced by A.
Protein change: p.Ala434Thr; replaces alanine 434 with threonine.
Molecular consequence: missense variant. On other transcripts: 5 prime UTR variant (1).
Genome position (GRCh38, 1-based): chr10:49,524,130, C>T on the plus strand (G>A on the coding strand, the complement: ERCC6 is on the minus strand). VCF-style: chr10-49524130-C-T. GRCh37 (hg19) VCF-style: chr10-50732176-C-T.
Other names: c.1300G>A, p.Ala434Thr (NM_001277058.2, NM_001277059.2, NM_001346440.2); c.-105G>A (NM_170753.3); short protein forms A434T.
Identifiers: ClinVar variation 1478285 (VCV001478285.5), dbSNP rs1238372734, ClinGen allele CA376752142.
Genomic context (GRCh38, chr10:49,524,130, plus strand): 5'-CTCGGTATCTTCCCACTTTCCGACCTCCTCCTCCTCCTTCTCCTACAGAAGCAGCTTCAG[C>T]TTCTTCCCCAGAACTTGGGAAAAAGTCATCATCAATCTCCTGCACTGGCACTTTCTTCTG-3'
Protein context (NP_000115.1, residues 424-444): DDFFPSSGEE[Ala434Thr]EAASVGEGGG

ClinVar aggregate classification (germline): Uncertain significance (1 of 4 stars; one submission).

gnomAD v4.1: 4 of 1,614,080 alleles (0.00025%); highest among the groups gnomAD compares: Admixed American, 0.0017%; no homozygotes.

Submission:

Labcorp Genetics (formerly Invitae), Labcorp
Classification: Uncertain significance. Last evaluated: 2024-12-02. Review status: criteria provided, single submitter. Criteria: Invitae Variant Classification Sherloc (09022015). Collection method: clinical testing. Allele origin: germline.
Comment: This sequence change replaces alanine, which is neutral and non-polar, with threonine, which is neutral and polar, at codon 434 of the ERCC6 protein (p.Ala434Thr). This variant is not present in population databases (gnomAD no frequency). This variant has not been reported in the literature in individuals affected with ERCC6-related conditions. ClinVar contains an entry for this variant (Variation ID: 1478285). Invitae Evidence Modeling of protein sequence and biophysical properties (such as structural, functional, and spatial information, amino acid conservation, physicochemical variation, residue mobility, and thermodynamic stability) indicates that this missense variant is not expected to disrupt ERCC6 protein function with a negative predictive value of 95%. In summary, the available evidence is currently insufficient to determine the role of this variant in disease. Therefore, it has been classified as a Variant of Uncertain Significance.